The following is an entry in ClinVar:

NC_000015.10:g.84816904G>A

Gene: ALPK3 (alpha kinase 3; plus strand). Cytogenetic location: 15q25.3.
Variant type: single nucleotide variant.
Genome position: GRCh38 VCF-style: chr15-84816904-G-A. GRCh37 (hg19) VCF-style: chr15-85360135-G-A.
Identifiers: ClinVar variation 4704805 (VCV004704805.1).

ClinVar aggregate classification (germline): Uncertain significance (1 of 4 stars; one submission).

Submission:

Labcorp Genetics (formerly Invitae), Labcorp
Classification: Uncertain significance. Last evaluated: 2025-05-14. Review status: criteria provided, single submitter. Criteria: Invitae Variant Classification Sherloc (09022015). Collection method: clinical testing. Allele origin: germline.
Comment: This sequence change replaces glutamic acid, which is acidic and polar, with lysine, which is basic and polar, at codon 20 of the ALPK3 protein (p.Glu20Lys). The frequency data for this variant in the population databases is considered unreliable, as metrics indicate poor data quality at this position in the gnomAD database. This variant has not been reported in the literature in individuals affected with ALPK3-related conditions. An algorithm developed to predict the effect of missense changes on protein structure and function (PolyPhen-2) suggests that this variant is likely to be tolerated. In summary, the available evidence is currently insufficient to determine the role of this variant in disease. Therefore, it has been classified as a Variant of Uncertain Significance.